The following is an entry in ClinVar:

ClinVar aggregate classification (germline): Pathogenic (1 of 4 stars; one submission).

Conditions:
Thrombophilia due to protein S deficiency, autosomal recessive (THPH6). Identifiers: Orphanet 743, MedGen C3281092, MONDO:0013791, OMIM 614514. Disease mechanism: loss of function.

Submission:

Labcorp Genetics (formerly Invitae), Labcorp
Classification: Pathogenic for Thrombophilia due to protein S deficiency, autosomal recessive. Last evaluated: 2022-11-23. Review status: criteria provided, single submitter. Criteria: Invitae Variant Classification Sherloc (09022015). Collection method: clinical testing. Allele origin: unknown.
Comment: For these reasons, this variant has been classified as Pathogenic. This variant has not been reported in the literature in individuals affected with PROS1-related conditions. This variant is a gross deletion of the genomic region encompassing exon(s) 8-9 of the PROS1 gene. This deletion is out-of-frame, and is expected to create a premature termination codon and result in an absent or disrupted protein product. Loss-of-function variants in PROS1 are known to be pathogenic (PMID: 9241758).

Literature cited by the submitters: PubMed 9241758.

NC_000003.11:g.(?_93615400)_(93617433_?)del

Gene: PROS1 (protein S; minus strand). Cytogenetic location: 3q11.1.
Variant type: Deletion.
Identifiers: ClinVar variation 3246924 (VCV003246924.1).